The following is an entry in ClinVar:

NM_000540.3(RYR1):c.923C>G (p.Thr308Ser)

Gene: RYR1 (ryanodine receptor 1; plus strand). Cytogenetic location: 19q13.2.
Variant type: single nucleotide variant.
Coding change: c.923C>G on transcript NM_000540.3 (MANE Select); coding-DNA position 923, C replaced by G.
Protein change: p.Thr308Ser; replaces threonine 308 with serine.
Molecular consequence: missense variant.
Genome position (GRCh38, 1-based): chr19:38,448,477, C>G. VCF-style: chr19-38448477-C-G. GRCh37 (hg19) VCF-style: chr19-38939117-C-G.
Other names: c.923C>G, p.Thr308Ser (NM_001042723.2); short protein forms T308S.
Identifiers: ClinVar variation 3072284 (VCV003072284.1), dbSNP rs1966904164, ClinGen allele CA405682231.

ClinVar aggregate classification (germline): Uncertain significance (1 of 4 stars; one submission).

Conditions:
Malignant hyperthermia, susceptibility to, 1 (MHS1). Also called: Anesthesia related hyperthermia; Malignant hyperpyrexia; Fulminating hyperpyrexia; Pharmacogenic myopathy; RYR1-Related Malignant Hyperthermia Susceptibility; Malignant hyperthermia suceptibility 1. Identifiers: Orphanet 423, MedGen C2930980, MONDO:0007783, OMIM 145600.

Submission:

All of Us Research Program, National Institutes of Health
Classification: Uncertain significance for Malignant hyperthermia, susceptibility to, 1. Last evaluated: 2023-07-11. Review status: criteria provided, single submitter. Criteria: ACMG Guidelines, 2015. Collection method: clinical testing. Allele origin: germline. Inheritance: Autosomal dominant inheritance. Observed: 1 variant allele, 1 heterozygote.
Comment: This study involves interpretation of variants in research participants for the purpose of population health screening. Participant phenotype was not available at the time of variant classification. Additional details can be found in publication PMID: 35346344, PMCID: PMC8962531